The following is an entry in ClinVar:

ClinVar aggregate classification (germline): Uncertain significance (1 of 4 stars; one submission).

Conditions:
Aortic valve disease 2 (AOVD2). Identifiers: OMIM 614823, MedGen C3542024, MONDO:0013902.

Submission:

Labcorp Genetics (formerly Invitae), Labcorp
Classification: Uncertain significance for Aortic valve disease 2. Last evaluated: 2022-12-22. Review status: criteria provided, single submitter. Criteria: Invitae Variant Classification Sherloc (09022015). Collection method: clinical testing. Allele origin: germline.
Comment: This sequence change replaces proline, which is neutral and non-polar, with arginine, which is basic and polar, at codon 117 of the SMAD6 protein (p.Pro117Arg). This variant is not present in population databases (gnomAD no frequency). This variant has not been reported in the literature in individuals affected with SMAD6-related conditions. Algorithms developed to predict the effect of missense changes on protein structure and function (SIFT, PolyPhen-2, Align-GVGD) all suggest that this variant is likely to be tolerated. In summary, the available evidence is currently insufficient to determine the role of this variant in disease. Therefore, it has been classified as a Variant of Uncertain Significance.

NM_005585.5(SMAD6):c.350C>G (p.Pro117Arg)

Gene: SMAD6 (SMAD family member 6; plus strand). Cytogenetic location: 15q22.31.
Variant type: single nucleotide variant.
Coding change: c.350C>G on transcript NM_005585.5 (MANE Select); coding-DNA position 350, C replaced by G.
Protein change: p.Pro117Arg; replaces proline 117 with arginine.
Molecular consequence: missense variant. On other transcripts: non-coding transcript variant (1).
Genome position (GRCh38, 1-based): chr15:66,703,608, C>G. VCF-style: chr15-66703608-C-G. GRCh37 (hg19) VCF-style: chr15-66995946-C-G.
Other names: short protein forms P117R.
Identifiers: ClinVar variation 2823213 (VCV002823213.3), dbSNP rs1393785160, ClinGen allele CA392949354.